The following is an entry in ClinVar:

NM_173076.3(ABCA12):c.3299T>G (p.Met1100Arg)

Gene: ABCA12 (ATP binding cassette subfamily A member 12; minus strand). Cytogenetic location: 2q35.
Variant type: single nucleotide variant.
Coding change: c.3299T>G on transcript NM_173076.3 (MANE Select); coding-DNA position 3299, T replaced by G.
Protein change: p.Met1100Arg; replaces methionine 1100 with arginine.
Molecular consequence: missense variant. On other transcripts: non-coding transcript variant (1).
Genome position (GRCh38, 1-based): chr2:214,991,027, A>C on the plus strand (T>G on the coding strand, the complement: ABCA12 is on the minus strand). VCF-style: chr2-214991027-A-C. GRCh37 (hg19) VCF-style: chr2-215855751-A-C.
Other names: c.2345T>G, p.Met782Arg (NM_015657.4); short protein forms M1100R, M782R.
Identifiers: ClinVar variation 2573348 (VCV002573348.1), dbSNP rs1391622169, ClinGen allele CA350469859.

ClinVar aggregate classification (germline): Uncertain significance (1 of 4 stars; one submission).

Allele frequency attached by ClinVar (database versions not stated): TOPMed below 0.00001; gnomAD 0.00001.

Submission:

Women's Health and Genetics/Laboratory Corporation of America, LabCorp
Classification: Uncertain significance. Last evaluated: 2023-06-19. Review status: criteria provided, single submitter. Criteria: LabCorp Variant Classification Summary - May 2015. Collection method: clinical testing. Allele origin: germline.
Comment: Variant summary: ABCA12 c.3299T>G (p.Met1100Arg) results in a non-conservative amino acid change located in the ABC-2 type transporter, transmembrane domain (IPR013525) of the encoded protein sequence. Five of five in-silico tools predict a damaging effect of the variant on protein function. The variant was absent in 247230 control chromosomes. The available data on variant occurrences in the general population are insufficient to allow any conclusion about variant significance. c.3299T>G has been reported in the literature in at least one compound heterozygous individual affected with congenital ichthyosiform erythroderma with features of harlequin ichthyosis (example: Peterson_2013). These data do not allow any conclusion about variant significance. To our knowledge, no experimental evidence demonstrating an impact on protein function has been reported. The following publication has been ascertained in the context of this evaluation (PMID: 22299640). No submitters have cited clinical-significance assessments for this variant to ClinVar after 2014. Based on the evidence outlined above, the variant was classified as uncertain significance.

Literature cited by the submitters: PubMed 22299640.